The following is an entry in ClinVar:

ClinVar aggregate classification (germline): Uncertain significance. Review status: criteria provided, multiple submitters, no conflicts (2 of 4 stars). 2 submissions from 2 submitters: Uncertain significance (2). Last evaluated 2022-04-18.

Conditions:
Acromelic frontonasal dysostosis (AFND). Identifiers: Orphanet 1827, MedGen C1863616, MONDO:0011359, OMIM 603671.

Allele frequency attached by ClinVar (database versions not stated): gnomAD exomes below 0.00001.
gnomAD v4.1: 3 of 1,521,084 alleles (0.0002%); highest among the groups gnomAD compares: Non-Finnish European, 0.00027%; no homozygotes.

Submissions (2):

Blueprint Genetics
Classification: Uncertain significance. Last evaluated: 2022-04-18. Review status: criteria provided, single submitter. Criteria: ACMG Guidelines, 2015. Collection method: clinical testing. Allele origin: germline.

Baylor Genetics
Classification: Uncertain significance for Acromelic frontonasal dysostosis. Last evaluated: 2018-03-15. Review status: criteria provided, single submitter. Criteria: ACMG Guidelines, 2015. Collection method: clinical testing. Allele origin: unknown. Affected: yes.
Comment: This variant was determined to be of uncertain significance according to ACMG Guidelines, 2015 [PMID:25741868].

NM_020928.2(ZSWIM6):c.683A>G (p.His228Arg)

Gene: ZSWIM6 (zinc finger SWIM-type containing 6; plus strand). Cytogenetic location: 5q12.1.
Variant type: single nucleotide variant.
Coding change: c.683A>G on transcript NM_020928.2 (MANE Select); coding-DNA position 683, A replaced by G.
Protein change: p.His228Arg; replaces histidine 228 with arginine.
Molecular consequence: missense variant.
Genome position (GRCh38, 1-based): chr5:61,472,687, A>G. VCF-style: chr5-61472687-A-G. GRCh37 (hg19) VCF-style: chr5-60768514-A-G.
Other names: short protein forms H228R.
Identifiers: ClinVar variation 1033559 (VCV001033559.2), dbSNP rs1747601529, ClinGen allele CA359941235.